The following is an entry in ClinVar:

ClinVar aggregate classification (germline): Uncertain significance. Review status: criteria provided, multiple submitters, no conflicts (2 of 4 stars). 2 submissions from 2 submitters: Uncertain significance (2). Last evaluated 2023-10-25.

Conditions:
Inborn genetic diseases. Identifiers: MedGen C0950123, MeSH D030342.
Chédiak-Higashi syndrome (CHS). Also called: Chediak-Higashi Syndrome. Identifiers: Orphanet 167, MedGen C0007965, MONDO:0008963, OMIM 214500.

Submissions (2):

Ambry Genetics
Classification: Uncertain significance for Inborn genetic diseases. Last evaluated: 2023-10-25. Review status: criteria provided, single submitter. Criteria: Ambry Variant Classification Scheme 2023. Collection method: clinical testing. Allele origin: germline.

Labcorp Genetics (formerly Invitae), Labcorp
Classification: Uncertain significance for Chédiak-Higashi syndrome. Last evaluated: 2022-07-12. Review status: criteria provided, single submitter. Criteria: Invitae Variant Classification Sherloc (09022015). Collection method: clinical testing. Allele origin: germline.
Comment: In summary, the available evidence is currently insufficient to determine the role of this variant in disease. Therefore, it has been classified as a Variant of Uncertain Significance. Algorithms developed to predict the effect of missense changes on protein structure and function (SIFT, PolyPhen-2, Align-GVGD) all suggest that this variant is likely to be tolerated. ClinVar contains an entry for this variant (Variation ID: 1464995). This variant has not been reported in the literature in individuals affected with LYST-related conditions. This variant is not present in population databases (gnomAD no frequency). This sequence change replaces alanine, which is neutral and non-polar, with serine, which is neutral and polar, at codon 537 of the LYST protein (p.Ala537Ser).

NM_000081.4(LYST):c.1609G>T (p.Ala537Ser)

Gene: LYST (lysosomal trafficking regulator; minus strand). Cytogenetic location: 1q42.3.
Variant type: single nucleotide variant.
Coding change: c.1609G>T on transcript NM_000081.4 (MANE Select); coding-DNA position 1609, G replaced by T.
Protein change: p.Ala537Ser; replaces alanine 537 with serine.
Molecular consequence: missense variant.
Genome position (GRCh38, 1-based): chr1:235,809,209, C>A on the plus strand (G>T on the coding strand, the complement: LYST is on the minus strand). VCF-style: chr1-235809209-C-A. GRCh37 (hg19) VCF-style: chr1-235972509-C-A.
Other names: c.1609G>T (NM_000081.2); c.1609G>T, p.Ala537Ser (NM_001301365.1); short protein forms A537S.
Identifiers: ClinVar variation 1464995 (VCV001464995.7), dbSNP rs1411759123, ClinGen allele CA344962023.
Genomic context (GRCh38, chr1:235,809,209, plus strand): 5'-ACTGATGGGCACACACTGCAATGCAACAGCACCGCTCAGGATAATAAACATCTCCATCTG[C>A]AGTCTCTTCAAATGGGTTTTTGGAAACCTGGTTTTTAAAAGCCGAAACCAGAAGACCTGA-3'
Protein context (NP_000072.2, residues 527-547): QVSKNPFEET[Ala537Ser]DGDVYYPERC